The following is an entry in ClinVar:

NM_021942.6(TRAPPC11):c.3340A>G (p.Thr1114Ala)

Gene: TRAPPC11 (trafficking protein particle complex subunit 11; plus strand). Cytogenetic location: 4q35.1.
Variant type: single nucleotide variant.
Coding change: c.3340A>G on transcript NM_021942.6 (MANE Select); coding-DNA position 3340, A replaced by G.
Protein change: p.Thr1114Ala; replaces threonine 1114 with alanine.
Molecular consequence: missense variant.
Genome position (GRCh38, 1-based): chr4:183,708,557, A>G. VCF-style: chr4-183708557-A-G. GRCh37 (hg19) VCF-style: chr4-184629710-A-G.
Other names: c.3221A>G, p.Tyr1074Cys (NM_199053.3); short protein forms T1114A, Y1074C.
Identifiers: ClinVar variation 657611 (VCV000657611.3), dbSNP rs866236252, ClinGen allele CA111870785.

ClinVar aggregate classification (germline): Uncertain significance. Review status: criteria provided, multiple submitters, no conflicts (2 of 4 stars). 2 submissions from 2 submitters: Uncertain significance (2). Last evaluated 2023-06-21.

Conditions:
Autosomal recessive limb-girdle muscular dystrophy type R18 (LGMDR18). Also called: Autosomal recessive limb-girdle muscular dystrophy type 2S; Limb-girdle muscular dystrophy, type 2S; MUSCULAR DYSTROPHY, LIMB-GIRDLE, AUTOSOMAL RECESSIVE 18. Identifiers: Orphanet 369840, MedGen C4517996, MONDO:0014144, OMIM 615356.

Allele frequency attached by ClinVar (database versions not stated): gnomAD exomes 0.00001.
gnomAD v4.1: 7 of 1,613,718 alleles (0.00043%); highest among the groups gnomAD compares: Middle Eastern, 0.12%; no homozygotes.

Submissions (2):

Revvity Omics, Revvity
Classification: Uncertain significance for Autosomal recessive limb-girdle muscular dystrophy type R18. Last evaluated: 2023-06-21. Review status: criteria provided, single submitter. Criteria: ACMG Guidelines, 2015. Collection method: clinical testing. Allele origin: germline.

Labcorp Genetics (formerly Invitae), Labcorp
Classification: Uncertain significance for Limb-girdle muscular dystrophy, type 2S. Last evaluated: 2018-09-24. Review status: criteria provided, single submitter. Criteria: Invitae Variant Classification Sherloc (09022015). Collection method: clinical testing. Allele origin: germline.
Comment: This sequence change replaces threonine with alanine at codon 1114 of the TRAPPC11 protein (p.Thr1114Ala). The threonine residue is moderately conserved and there is a small physicochemical difference between threonine and alanine. This variant is not present in population databases (ExAC no frequency). This variant has not been reported in the literature in individuals with TRAPPC11-related disease. Algorithms developed to predict the effect of missense changes on protein structure and function (SIFT, PolyPhen-2, Align-GVGD) all suggest that this variant is likely to be tolerated, but these predictions have not been confirmed by published functional studies and their clinical significance is uncertain. In summary, the available evidence is currently insufficient to determine the role of this variant in disease. Therefore, it has been classified as a Variant of Uncertain Significance.